The following is an entry in ClinVar:

ClinVar aggregate classification (germline): Uncertain significance (1 of 4 stars; one submission).

gnomAD v4.1: 3 of 1,613,930 alleles (0.00019%); highest among the groups gnomAD compares: Non-Finnish European, 0.00025%; no homozygotes.

Submission:

GeneDx
Classification: Uncertain significance. Last evaluated: 2024-08-27. Review status: criteria provided, single submitter. Criteria: GeneDx Variant Classification Process June 2021. Collection method: clinical testing. Allele origin: germline. Affected: yes.
Comment: Not observed at significant frequency in large population cohorts (gnomAD); In silico analysis supports that this missense variant has a deleterious effect on protein structure/function; Has not been previously published as pathogenic or benign to our knowledge

NM_001376013.1(EPB41):c.1070C>G (p.Pro357Arg)

Gene: EPB41 (erythrocyte membrane protein band 4.1; plus strand). Cytogenetic location: 1p35.3.
Variant type: single nucleotide variant.
Coding change: c.1070C>G on transcript NM_001376013.1 (MANE Select); coding-DNA position 1070, C replaced by G.
Protein change: p.Pro357Arg; replaces proline 357 with arginine.
Molecular consequence: missense variant.
Genome position (GRCh38, 1-based): chr1:29,018,388, C>G. VCF-style: chr1-29018388-C-G. GRCh37 (hg19) VCF-style: chr1-29344900-C-G.
Other names: c.1070C>G, p.Pro357Arg (NM_001166005.2, NM_001166006.2, NM_001376014.1 and 7 more transcripts); c.443C>G, p.Pro148Arg (NM_001166007.2, NM_001376022.1, NM_001376023.1 and 7 more transcripts); c.965C>G, p.Pro322Arg (NM_203343.3); short protein forms P148R, P322R, P357R.
Identifiers: ClinVar variation 3766193 (VCV003766193.1).